The following is an entry in ClinVar:

ClinVar aggregate classification (germline): Uncertain significance (1 of 4 stars; one submission).

Conditions:
Acute myeloid leukemia (AML). Also called: Leukemia, acute myeloid, somatic; Leukemia, acute myelogenous, somatic; Acute myeloid leukemia, adult; AML adult; Acute non-lymphocytic leukemia; Acute granulocytic leukemia. Identifiers: Orphanet 519, MedGen C0023467, MeSH D015470, MONDO:0018874, OMIM 601626, HP:0004808. Disease mechanism: Constitutively activated FLT3.

Submission:

Labcorp Genetics (formerly Invitae), Labcorp
Classification: Uncertain significance for Acute myeloid leukemia. Last evaluated: 2020-08-27. Review status: criteria provided, single submitter. Criteria: Invitae Variant Classification Sherloc (09022015). Collection method: clinical testing. Allele origin: germline.
Comment: This sequence change replaces proline with phenylalanine at codon 42 of the CEBPA protein (p.Pro42Phe). The proline residue is weakly conserved and there is a moderate physicochemical difference between proline and phenylalanine. The frequency data for this variant in the population databases is considered unreliable, as metrics indicate insufficient coverage at this position in the ExAC database. This variant has not been reported in the literature in individuals with CEBPA-related conditions. Algorithms developed to predict the effect of missense changes on protein structure and function are either unavailable or do not agree on the potential impact of this missense change (SIFT: "Not Available"; PolyPhen-2: "Benign"; Align-GVGD: "Not Available"). In summary, the available evidence is currently insufficient to determine the role of this variant in disease. Therefore, it has been classified as a Variant of Uncertain Significance.

NM_004364.5(CEBPA):c.124_125delinsTT (p.Pro42Phe)

Gene: CEBPA (CCAAT enhancer binding protein alpha; minus strand). Cytogenetic location: 19q13.11.
Variant type: Indel.
Coding change: c.124_125delinsTT on transcript NM_004364.5 (MANE Select); coding-DNA positions 124 to 125, CC replaced by TT.
Protein change: p.Pro42Phe; replaces proline 42 with phenylalanine.
Molecular consequence: missense variant. On other transcripts: 5 prime UTR variant (1).
Genome position (GRCh38, 1-based): chr19:33,302,290-33,302,291, GG replaced by AA on the plus strand (CC replaced by TT on the coding strand, the reverse complement: CEBPA is on the minus strand). VCF-style: chr19-33302290-GG-AA. GRCh37 (hg19) VCF-style: chr19-33793196-GG-AA.
Other names: c.-234_-233delinsTT (NM_001285829.2); c.229_230delinsTT, p.Pro77Phe (NM_001287424.2); c.82_83delinsTT, p.Pro28Phe (NM_001287435.2); short protein forms P28F, P42F, P77F.
Identifiers: ClinVar variation 1054125 (VCV001054125.7), dbSNP rs2145264332, ClinGen allele CA2499225434.